The following is an entry in ClinVar:

ClinVar aggregate classification (germline): Uncertain significance (1 of 4 stars; one submission).

Submission:

Labcorp Genetics (formerly Invitae), Labcorp
Classification: Uncertain significance. Last evaluated: 2020-08-20. Review status: criteria provided, single submitter. Criteria: Invitae Variant Classification Sherloc (09022015). Collection method: clinical testing. Allele origin: germline.
Comment: This sequence change replaces glycine with serine at codon 145 of the LAMC2 protein (p.Gly145Ser). The glycine residue is highly conserved and there is a small physicochemical difference between glycine and serine. This variant is not present in population databases (ExAC no frequency). This variant has not been reported in the literature in individuals with LAMC2-related disease. Algorithms developed to predict the effect of missense changes on protein structure and function do not agree on the potential impact of this missense change (SIFT: "Tolerated"; PolyPhen-2: "Probably Damaging"; Align-GVGD: "Class C0"). In summary, the available evidence is currently insufficient to determine the role of this variant in disease. Therefore, it has been classified as a Variant of Uncertain Significance.

NM_005562.3(LAMC2):c.433G>A (p.Gly145Ser)

Gene: LAMC2 (laminin subunit gamma 2; plus strand). Cytogenetic location: 1q25.3.
Variant type: single nucleotide variant.
Coding change: c.433G>A on transcript NM_005562.3 (MANE Select); coding-DNA position 433, G replaced by A.
Protein change: p.Gly145Ser; replaces glycine 145 with serine.
Molecular consequence: missense variant.
Genome position (GRCh38, 1-based): chr1:183,218,418, G>A. VCF-style: chr1-183218418-G-A. GRCh37 (hg19) VCF-style: chr1-183187553-G-A.
Other names: c.433G>A, p.Gly145Ser (NM_018891.3); short protein forms G145S.
Identifiers: ClinVar variation 2065220 (VCV002065220.1), dbSNP rs2526020289, ClinGen allele CA343675272.